The following is an entry in ClinVar:

ClinVar aggregate classification (germline): Uncertain significance (1 of 4 stars; one submission).

Conditions:
Tuberous sclerosis 1 (TSC1). Identifiers: Orphanet 805, MedGen C1854465, MONDO:0008612, OMIM 191100.

Submission:

Labcorp Genetics (formerly Invitae), Labcorp
Classification: Uncertain significance for Tuberous sclerosis 1. Last evaluated: 2025-04-18. Review status: criteria provided, single submitter. Criteria: Invitae Variant Classification Sherloc (09022015). Collection method: clinical testing. Allele origin: germline.
Comment: This sequence change replaces proline, which is neutral and non-polar, with histidine, which is basic and polar, at codon 266 of the TSC1 protein (p.Pro266His). This variant is not present in population databases (gnomAD no frequency). This variant has not been reported in the literature in individuals affected with TSC1-related conditions. Invitae Evidence Modeling of protein sequence and biophysical properties (such as structural, functional, and spatial information, amino acid conservation, physicochemical variation, residue mobility, and thermodynamic stability) indicates that this missense variant is not expected to disrupt TSC1 protein function with a negative predictive value of 95%. In summary, the available evidence is currently insufficient to determine the role of this variant in disease. Therefore, it has been classified as a Variant of Uncertain Significance.

NM_000368.5(TSC1):c.797C>A (p.Pro266His)

Gene: TSC1 (TSC complex subunit 1; minus strand). Cytogenetic location: 9q34.13.
Variant type: single nucleotide variant.
Coding change: c.797C>A on transcript NM_000368.5 (MANE Select); coding-DNA position 797, C replaced by A.
Protein change: p.Pro266His; replaces proline 266 with histidine.
Molecular consequence: missense variant. On other transcripts: 5 prime UTR variant (5), non-coding transcript variant (5).
Genome position (GRCh38, 1-based): chr9:132,912,398, G>T on the plus strand (C>A on the coding strand, the complement: TSC1 is on the minus strand). VCF-style: chr9-132912398-G-T. GRCh37 (hg19) VCF-style: chr9-135787785-G-T.
Other names: c.797C>A, p.Pro266His (NM_001406606.1, NM_001406607.1, NM_001406608.1 and 16 more transcripts); c.644C>A, p.Pro215His (NM_001406610.1, NM_001406611.1, NM_001406612.1 and 2 more transcripts); c.434C>A, p.Pro145His (NM_001406614.1, NM_001406615.1, NM_001362177.2 and 10 more transcripts); c.-155C>A (NM_001406626.1, NM_001406627.1, NM_001406628.1); c.-297C>A (NM_001406629.1, NM_001406630.1); short protein forms P215H, P266H, P145H.
Identifiers: ClinVar variation 4709639 (VCV004709639.1).